The following is an entry in ClinVar:

NM_000051.4(ATM):c.6655T>G (p.Phe2219Val)

Genes: ATM (ATM serine/threonine kinase; plus strand), C11orf65 (chromosome 11 open reading frame 65; minus strand). Cytogenetic location: 11q22.3.
Variant type: single nucleotide variant.
Coding change: c.6655T>G on transcript NM_000051.4 (MANE Select); coding-DNA position 6655, T replaced by G.
Protein change: p.Phe2219Val; replaces phenylalanine 2219 with valine.
Molecular consequence: missense variant. On other transcripts: intron variant (2).
Genome position (GRCh38, 1-based): chr11:108,325,392, T>G. VCF-style: chr11-108325392-T-G. GRCh37 (hg19) VCF-style: chr11-108196119-T-G.
Other names: c.6655T>G, p.Phe2219Val (NM_001351834.2); c.641-16321A>C (NM_001330368.2); c.*38+9828A>C (NM_001351110.2); short protein forms F2219V.
Identifiers: ClinVar variation 1404999 (VCV001404999.11), dbSNP rs2136310909, ClinGen allele CA382554831.
Genomic context (GRCh38, chr11:108,325,392, plus strand): 5'-TCTGAAGTATATATTAAGTGGCAGAAACACTCCCAGCTTCTCAAGGACAGTGATTTTAGT[T>G]TTCAGGAGCCTATCATGGCTCTACGCACAGTCATTTTGGAGATCCTGATGGAAAAGGAAA-3'
Protein context (NP_000042.3, residues 2209-2229): SQLLKDSDFS[Phe2219Val]QEPIMALRTV

ClinVar aggregate classification (germline): Uncertain significance. Review status: criteria provided, multiple submitters, no conflicts (2 of 4 stars). 2 submissions from 2 submitters: Uncertain significance (2). Last evaluated 2025-08-25.

Conditions:
Ataxia-telangiectasia syndrome (AT). Also called: Ataxia-telangiectasia; LOUIS-BAR SYNDROME; Ataxia-telangiectasia, complementation group D; AT, COMPLEMENTATION GROUP C; ATAXIA-TELANGIECTASIA, COMPLEMENTATION GROUP A; ATAXIA-TELANGIECTASIA, FRESNO VARIANT. Identifiers: Orphanet 100, MedGen C0004135, MONDO:0008840, OMIM 208900.
Hereditary cancer-predisposing syndrome. Also called: Tumor predisposition; Neoplastic Syndromes, Hereditary; Hereditary Cancer Syndrome; Hereditary neoplastic syndrome. Identifiers: Orphanet 140162, MedGen C0027672, MeSH D009386, MONDO:0015356.

Submissions (2):

Labcorp Genetics (formerly Invitae), Labcorp
Classification: Uncertain significance for Ataxia-telangiectasia syndrome. Last evaluated: 2025-08-25. Review status: criteria provided, single submitter. Criteria: Invitae Variant Classification Sherloc (09022015). Collection method: clinical testing. Allele origin: germline.
Comment: This sequence change replaces phenylalanine, which is neutral and non-polar, with valine, which is neutral and non-polar, at codon 2219 of the ATM protein (p.Phe2219Val). This variant is not present in population databases (gnomAD no frequency). This variant has not been reported in the literature in individuals affected with ATM-related conditions. ClinVar contains an entry for this variant (Variation ID: 1404999). Invitae Evidence Modeling of protein sequence and biophysical properties (such as structural, functional, and spatial information, amino acid conservation, physicochemical variation, residue mobility, and thermodynamic stability) indicates that this missense variant is not expected to disrupt ATM protein function with a negative predictive value of 95%. RNA analysis performed to evaluate the impact of this missense change on mRNA splicing indicates it does not significantly alter splicing (internal data). In summary, the available evidence is currently insufficient to determine the role of this variant in disease. Therefore, it has been classified as a Variant of Uncertain Significance.

Ambry Genetics
Classification: Uncertain significance for Hereditary cancer-predisposing syndrome. Last evaluated: 2025-08-03. Review status: criteria provided, single submitter. Criteria: Ambry Variant Classification Scheme 2023. Collection method: clinical testing. Allele origin: germline.
Comment: The p.F2219V variant (also known as c.6655T>G), located in coding exon 45 of the ATM gene, results from a T to G substitution at nucleotide position 6655. The phenylalanine at codon 2219 is replaced by valine, an amino acid with highly similar properties. This amino acid position is conserved. In addition, this alteration is predicted to be tolerated by in silico analysis. Since supporting evidence is limited at this time, the clinical significance of this alteration remains unclear.